The following is an entry in ClinVar:

ClinVar aggregate classification (germline): Likely benign. Review status: criteria provided, single submitter (1 of 4 stars). 2 submissions from 2 submitters: Likely benign (1). 1 of the submissions does not count toward it. Last evaluated 2025-12-16.

Conditions:
Cognitive impairment - coarse facies - heart defects - obesity - pulmonary involvement - short stature - skeletal dysplasia syndrome. Also called: Chops syndrome; AFF4-Related CHOPS Syndrome; COGNITIVE IMPAIRMENT, COARSE FACIES, HEART DEFECTS, OBESITY, PULMONARY INVOLVEMENT, SHORT STATURE, AND SKELETAL DYSPLASIA. Identifiers: Orphanet 444077, MedGen C4085597, MONDO:0014609, OMIM 616368.
AFF4-related disorder. Also called: AFF4-related condition.

Allele frequency attached by ClinVar (database versions not stated): gnomAD 0.00002; ExAC 0.00007; TOPMed 0.00007; gnomAD exomes 0.00009.

Submissions (2):

Labcorp Genetics (formerly Invitae), Labcorp
Classification: Likely benign for Cognitive impairment - coarse facies - heart defects - obesity - pulmonary involvement - short stature - skeletal dysplasia syndrome. Last evaluated: 2025-12-16. Review status: criteria provided, single submitter. Criteria: Invitae Variant Classification Sherloc (09022015). Collection method: clinical testing. Allele origin: germline.

PreventionGenetics, part of Exact Sciences
Classification: Likely benign for AFF4-related condition. Last evaluated: 2021-06-30. Review status: no assertion criteria provided. Collection method: clinical testing. Allele origin: germline. Not counted in ClinVar's aggregate classification.
Comment: This variant is classified as likely benign based on ACMG/AMP sequence variant interpretation guidelines (Richards et al. 2015 PMID: 25741868, with internal and published modifications).

NM_014423.4(AFF4):c.3054G>A (p.Lys1018=)

Gene: AFF4 (ALF transcription elongation factor 4; minus strand). Cytogenetic location: 5q31.1.
Variant type: single nucleotide variant.
Coding change: c.3054G>A on transcript NM_014423.4 (MANE Select); coding-DNA position 3054, G replaced by A.
Protein change: p.Lys1018=; no amino-acid change (lysine 1018 retained).
Molecular consequence: synonymous variant.
Genome position (GRCh38, 1-based): chr5:132,886,355, C>T on the plus strand (G>A on the coding strand, the complement: AFF4 is on the minus strand). VCF-style: chr5-132886355-C-T. GRCh37 (hg19) VCF-style: chr5-132222047-C-T.
Other names: c.3054G>A (NM_014423.3).
Identifiers: ClinVar variation 2055067 (VCV002055067.6), dbSNP rs763176151, ClinGen allele CA3408755.